The following is an entry in ClinVar:

NM_182916.3(TRNT1):c.501dup (p.Asp168Ter)

Gene: TRNT1 (tRNA nucleotidyl transferase 1; plus strand). Cytogenetic location: 3p26.2.
Variant type: Duplication.
Coding change: c.501dup on transcript NM_182916.3 (MANE Select); coding-DNA position 501, one base duplicated (T; older notation c.501dupT).
Protein change: p.Asp168Ter; replaces aspartic acid 168 with a stop codon.
Molecular consequence: nonsense. On other transcripts: non-coding transcript variant (8).
Genome position (GRCh38, 1-based): chr3:3,144,603, T duplicated; the last of 3 consecutive T bases (chr3:3,144,601-3,144,603); duplicating any one gives the same sequence. VCF-style (leftmost placement, unchanged base first): chr3-3144600-A-AT. GRCh37 (hg19) VCF-style: chr3-3186284-A-AT.
Other names: c.501dup, p.Asp168Ter (NM_001302946.2, NM_001367321.1, NM_001367322.1 and 1 more transcripts); short protein forms D168*.
Identifiers: ClinVar variation 848613 (VCV000848613.6), dbSNP rs1445182754, ClinGen allele CA906201583.
Genomic context (GRCh38, chr3:3,144,600, plus strand): 5'-TATTTGCCAATAGTGATTTTTCTCCCTCCTTTTCTAATGAATAGGTTTTGATGGCACTTT[A>AT]TTTGACTACTTTAATGGTTATGAAGATTTAAAAAATAAGAAAGTTAGATTTGTTGGACAT-3'

ClinVar aggregate classification (germline): Pathogenic (1 of 4 stars; one submission).

Conditions:
Congenital sideroblastic anemia-B-cell immunodeficiency-periodic fever-developmental delay syndrome. Also called: Sideroblastic anemia with B-cell immunodeficiency, periodic fevers, and developmental delay. Identifiers: Orphanet 369861, MedGen C4015172, MONDO:0014487, OMIM 616084.

Submission:

Labcorp Genetics (formerly Invitae), Labcorp
Classification: Pathogenic for Congenital sideroblastic anemia-B-cell immunodeficiency-periodic fever-developmental delay syndrome. Last evaluated: 2025-06-29. Review status: criteria provided, single submitter. Criteria: Invitae Variant Classification Sherloc (09022015). Collection method: clinical testing. Allele origin: germline.
Comment: This sequence change creates a premature translational stop signal (p.Asp168*) in the TRNT1 gene. It is expected to result in an absent or disrupted protein product. Loss-of-function variants in TRNT1 are known to be pathogenic (PMID: 25193871). This variant is not present in population databases (gnomAD no frequency). This variant has not been reported in the literature in individuals affected with TRNT1-related conditions. ClinVar contains an entry for this variant (Variation ID: 848613). For these reasons, this variant has been classified as Pathogenic.

Literature cited by the submitters: PubMed 25193871.